The following is an entry in ClinVar:

ClinVar aggregate classification (germline): Uncertain significance (1 of 4 stars; one submission).

Conditions:
RASopathy. Also called: rasopathies; Noonan spectrum disorder. Identifiers: Orphanet 536391, MedGen C5555857, MONDO:0021060.

Submission:

Labcorp Genetics (formerly Invitae), Labcorp
Classification: Uncertain significance for RASopathy. Last evaluated: 2022-07-19. Review status: criteria provided, single submitter. Criteria: Invitae Variant Classification Sherloc (09022015). Collection method: clinical testing. Allele origin: germline.
Comment: This sequence change replaces glutamic acid, which is acidic and polar, with glutamine, which is neutral and polar, at codon 654 of the SOS1 protein (p.Glu654Gln). In summary, the available evidence is currently insufficient to determine the role of this variant in disease. Therefore, it has been classified as a Variant of Uncertain Significance. Advanced modeling of protein sequence and biophysical properties (such as structural, functional, and spatial information, amino acid conservation, physicochemical variation, residue mobility, and thermodynamic stability) performed at Invitae indicates that this missense variant is not expected to disrupt SOS1 protein function. ClinVar contains an entry for this variant (Variation ID: 1413149). This variant has not been reported in the literature in individuals affected with SOS1-related conditions. This variant is not present in population databases (gnomAD no frequency).

NM_005633.4(SOS1):c.1960G>C (p.Glu654Gln)

Gene: SOS1 (SOS Ras/Rac guanine nucleotide exchange factor 1; minus strand). Cytogenetic location: 2p22.1.
Variant type: single nucleotide variant.
Coding change: c.1960G>C on transcript NM_005633.4 (MANE Select); coding-DNA position 1960, G replaced by C.
Protein change: p.Glu654Gln; replaces glutamic acid 654 with glutamine.
Molecular consequence: missense variant.
Genome position (GRCh38, 1-based): chr2:39,013,970, C>G on the plus strand (G>C on the coding strand, the complement: SOS1 is on the minus strand). VCF-style: chr2-39013970-C-G. GRCh37 (hg19) VCF-style: chr2-39241111-C-G.
Other names: c.1939G>C, p.Glu647Gln (NM_001382394.1); c.1960G>C, p.Glu654Gln (NM_001382395.1); short protein forms E654Q, E647Q.
Identifiers: ClinVar variation 1413149 (VCV001413149.6), dbSNP rs1669547011, ClinGen allele CA346364976.